The following is an entry in ClinVar:

NM_001077365.2(POMT1):c.2032G>A (p.Ala678Thr)

Gene: POMT1 (protein O-mannosyltransferase 1; plus strand). Cytogenetic location: 9q34.13.
Variant type: single nucleotide variant.
Coding change: c.2032G>A on transcript NM_001077365.2 (MANE Select); coding-DNA position 2032, G replaced by A.
Protein change: p.Ala678Thr; replaces alanine 678 with threonine.
Molecular consequence: missense variant. On other transcripts: non-coding transcript variant (10).
Genome position (GRCh38, 1-based): chr9:131,522,960, G>A. VCF-style: chr9-131522960-G-A. GRCh37 (hg19) VCF-style: chr9-134398347-G-A.
Other names: c.1870G>A, p.Ala624Thr (NM_001077366.2, NM_001353194.2); c.2032G>A, p.Ala678Thr (NM_001136113.2); c.1681G>A, p.Ala561Thr (NM_001136114.2, NM_001353195.2, NM_001374691.1 and 2 more transcripts); c.2098G>A, p.Ala700Thr (NM_001353193.2, NM_007171.4); c.1942G>A, p.Ala648Thr (NM_001353196.2); c.1936G>A, p.Ala646Thr (NM_001353197.2, NM_001353198.2); c.2098G>A (NM_007171.3); c.1747G>A, p.Ala583Thr (NM_001353199.2); and 4 more; short protein forms A646T, A648T, A700T, A548T, A624T, A674T, A678T, A605T.
Identifiers: ClinVar variation 1427809 (VCV001427809.8), dbSNP rs747903773, ClinGen allele CA5293923.
Genomic context (GRCh38, chr9:131,522,960, plus strand): 5'-CACCCTCCCCCACGCTGCTCTGACCTCTGCAGGTCCCAGCTCCAGAGGAGCATCTTCAGC[G>A]CCCTGGTGGTGGCCTGGTACTCCTCCGCGTGCCACGTGTCCAACACGCTGCGCCCACTCA-3'
Protein context (NP_001070833.1, residues 668-688): RSQLQRSIFS[Ala678Thr]LVVAWYSSAC

ClinVar aggregate classification (germline): Uncertain significance. Review status: criteria provided, multiple submitters, no conflicts (2 of 4 stars). 3 submissions from 3 submitters: Uncertain significance (3). Last evaluated 2025-07-24.

Conditions:
Walker-Warburg congenital muscular dystrophy. Also called: Muscular dystrophy-dystroglycanopathy, type A; Walker-Warburg syndrome. Identifiers: Orphanet 899, MedGen C0265221, MONDO:0000171.
Autosomal recessive limb-girdle muscular dystrophy type 2K. Also called: MUSCULAR DYSTROPHY, LIMB-GIRDLE, TYPE 2K; MUSCULAR DYSTROPHY-DYSTROGLYCANOPATHY (LIMB-GIRDLE), TYPE C, 1. Identifiers: Orphanet 86812, MedGen C1836373, MONDO:0012248, OMIM 609308.
Muscular dystrophy-dystroglycanopathy (congenital with impaired intellectual development), type B, 1. Also called: MUSCULAR DYSTROPHY, CONGENITAL, POMT1-RELATED; Muscular dystrophy-dystroglycanopathy (congenital with intellectual disability), type B1. Identifiers: MedGen C5436962, MONDO:0013159, OMIM 613155.
POMT1-related disorder. Also called: POMT1-related condition; POMT1-related disorders.

Allele frequency attached by ClinVar (database versions not stated): TOPMed 0.00001; ExAC 0.00007; gnomAD 0.00003; gnomAD exomes 0.00001 and 0.00003.

Submissions (3):

PreventionGenetics, part of Exact Sciences
Classification: Uncertain significance for POMT1-related condition. Last evaluated: 2025-07-24. Review status: criteria provided, single submitter. Criteria: ACMG Guidelines, 2015. Collection method: clinical testing. Allele origin: germline.
Comment: The POMT1 c.2098G>A variant is predicted to result in the amino acid substitution p.Ala700Thr. To our knowledge, this variant has not been reported in the literature. This variant is reported in 0.014% of alleles in individuals of South Asian descent in gnomAD. At this time, the clinical significance of this variant is uncertain due to the absence of conclusive functional and genetic evidence.

Revvity Omics, Revvity
Classification: Uncertain significance. Last evaluated: 2021-11-04. Review status: criteria provided, single submitter. Criteria: ACMG Guidelines, 2015. Collection method: clinical testing. Allele origin: germline.

Labcorp Genetics (formerly Invitae), Labcorp
Classification: Uncertain significance for Muscular dystrophy-dystroglycanopathy (congenital with impaired intellectual development), type B, 1; Walker-Warburg congenital muscular dystrophy; Autosomal recessive limb-girdle muscular dystrophy type 2K. Last evaluated: 2021-08-28. Review status: criteria provided, single submitter. Criteria: Invitae Variant Classification Sherloc (09022015). Collection method: clinical testing. Allele origin: germline.
Comment: This sequence change replaces alanine with threonine at codon 700 of the POMT1 protein (p.Ala700Thr). The alanine residue is moderately conserved and there is a small physicochemical difference between alanine and threonine. This variant is present in population databases (rs747903773, ExAC 0.03%). This variant has not been reported in the literature in individuals affected with POMT1-related conditions. Algorithms developed to predict the effect of missense changes on protein structure and function (SIFT, PolyPhen-2, Align-GVGD) all suggest that this variant is likely to be tolerated. In summary, the available evidence is currently insufficient to determine the role of this variant in disease. Therefore, it has been classified as a Variant of Uncertain Significance.